The following is an entry in ClinVar:

NM_000536.4(RAG2):c.48_49delinsAA (p.Pro17Thr)

Gene: RAG2 (recombination activating 2; minus strand). Cytogenetic location: 11p12.
Variant type: Indel.
Coding change: c.48_49delinsAA on transcript NM_000536.4 (MANE Select); coding-DNA positions 48 to 49, GC replaced by AA.
Protein change: p.Pro17Thr; replaces proline 17 with threonine.
Molecular consequence: missense variant.
Genome position (GRCh38, 1-based): chr11:36,594,120-36,594,121, GC replaced by TT on the plus strand (GC replaced by AA on the coding strand, the reverse complement: RAG2 is on the minus strand). VCF-style: chr11-36594120-GC-TT. GRCh37 (hg19) VCF-style: chr11-36615670-GC-TT.
Other names: c.48_49delinsAA, p.Pro17Thr (NM_001243785.2, NM_001243786.2); short protein forms P17T.
Identifiers: ClinVar variation 4793151 (VCV004793151.1).
Genomic context (GRCh38, chr11:36,594,120, plus strand): 5'-GCCAGCCTTTTTGTCCAAAGAAGAAAACTTGTCCATCAAAATTCATCAGTGAGAAGCCTG[GC>TT]TGAATTAAGGCTATGTTATTACTGACTGTTACCATCTGCAGAGACATAGTTTCTGATGGT-3'
Protein context (NP_000527.2, residues 7-27): TVSNNIALIQ[Pro17Thr]GFSLMNFDGQ

ClinVar aggregate classification (germline): Uncertain significance (1 of 4 stars; one submission).

Conditions:
Severe combined immunodeficiency, autosomal recessive, T cell-negative, B cell-negative, NK cell-positive. Also called: SCID, T CELL-NEGATIVE, B CELL-NEGATIVE, NK CELL-POSITIVE; Severe combined immunodeficiency due to complete RAG1/2 deficiency; SCID, AR, T-cell negative, B-cell negative, NK cell-positive. Identifiers: Orphanet 331206, MedGen C1832322, MONDO:0011086, OMIM 601457.
Combined immunodeficiency with skin granulomas. Identifiers: Orphanet 157949, MedGen C2673536, MONDO:0009306, OMIM 233650.

Submission:

Labcorp Genetics (formerly Invitae), Labcorp
Classification: Uncertain significance for Combined immunodeficiency with skin granulomas; Severe combined immunodeficiency, autosomal recessive, T cell-negative, B cell-negative, NK cell-positive. Last evaluated: 2025-12-23. Review status: criteria provided, single submitter. Criteria: Invitae Variant Classification Sherloc (09022015). Collection method: clinical testing. Allele origin: germline.
Comment: This sequence change replaces proline, which is neutral and non-polar, with threonine, which is neutral and polar, at codon 17 of the RAG2 protein (p.Pro17Thr). Information on the frequency of this variant in the gnomAD database is not available, as this variant may be reported differently in the database. This variant has not been reported in the literature in individuals affected with RAG2-related conditions. Experimental studies and prediction algorithms are not available or were not evaluated, and the functional significance of this variant is currently unknown. In summary, the available evidence is currently insufficient to determine the role of this variant in disease. Therefore, it has been classified as a Variant of Uncertain Significance.